The following is an entry in ClinVar:

ClinVar aggregate classification (germline): Uncertain significance (1 of 4 stars; one submission).

Conditions:
Cardiovascular phenotype. Identifiers: MedGen CN230736.

Submission:

Ambry Genetics
Classification: Uncertain significance for Cardiovascular phenotype. Last evaluated: 2021-11-19. Review status: criteria provided, single submitter. Criteria: Ambry Variant Classification Scheme 2023. Collection method: clinical testing. Allele origin: germline.
Comment: The p.S20R variant (also known as c.60C>G), located in coding exon 2 of the TBX1 gene, results from a C to G substitution at nucleotide position 60. The serine at codon 20 is replaced by arginine, an amino acid with dissimilar properties. This amino acid position is conserved. In addition, this alteration is predicted to be tolerated by in silico analysis. Since supporting evidence is limited at this time, the clinical significance of this alteration remains unclear.

NM_001379200.1(TBX1):c.87C>G (p.Ser29Arg)

Gene: TBX1 (T-box transcription factor 1; plus strand). Cytogenetic location: 22q11.21.
Variant type: single nucleotide variant.
Coding change: c.87C>G on transcript NM_001379200.1 (MANE Select); coding-DNA position 87, C replaced by G.
Protein change: p.Ser29Arg; replaces serine 29 with arginine.
Molecular consequence: missense variant.
Genome position (GRCh38, 1-based): chr22:19,760,930, C>G. VCF-style: chr22-19760930-C-G. GRCh37 (hg19) VCF-style: chr22-19748453-C-G.
Other names: c.60C>G, p.Ser20Arg (NM_005992.1, NM_080646.2, NM_080647.1); short protein forms S29R, S20R.
Identifiers: ClinVar variation 1751591 (VCV001751591.2), dbSNP rs746993005, ClinGen allele CA410681127.